The following is an entry in ClinVar:

NM_182914.3(SYNE2):c.12346G>A (p.Glu4116Lys)

Gene: SYNE2 (spectrin repeat containing nuclear envelope protein 2; plus strand). Cytogenetic location: 14q23.2.
Variant type: single nucleotide variant.
Coding change: c.12346G>A on transcript NM_182914.3 (MANE Select); coding-DNA position 12346, G replaced by A.
Protein change: p.Glu4116Lys; replaces glutamic acid 4116 with lysine.
Molecular consequence: missense variant.
Genome position (GRCh38, 1-based): chr14:64,098,786, G>A. VCF-style: chr14-64098786-G-A. GRCh37 (hg19) VCF-style: chr14-64565504-G-A.
Other names: c.12346G>A (NM_182914.2); c.12346G>A, p.Glu4116Lys (NM_015180.6); short protein forms E4116K.
Identifiers: ClinVar variation 1169434 (VCV001169434.26), dbSNP rs140028745, ClinGen allele CA7222091.

ClinVar aggregate classification (germline): Conflicting classifications of pathogenicity. Review status: criteria provided, conflicting classifications (1 of 4 stars). 5 submissions from 5 submitters: Uncertain significance (1); Benign (1); Likely benign (2). 1 of the submissions does not count toward it. Last evaluated 2025-11-15.

Conditions:
SYNE2-related disorder. Also called: SYNE2-related condition.
Emery-Dreifuss muscular dystrophy 5, autosomal dominant (EDMD5). Also called: EMERY-DREIFUSS MUSCULAR DYSTROPHY 5. Identifiers: Orphanet 261, MedGen C2751805, MONDO:0013072, OMIM 612999.

Allele frequency attached by ClinVar (database versions not stated): gnomAD exomes 0.00010 and 0.00030; ExAC 0.00047; gnomAD 0.00096 and 0.00100; TOPMed 0.00113; 1000 Genomes Project 0.00140; 1000 Genomes Project 30x 0.00141; ESP Exome Variant Server 0.00215.
gnomAD v4.1: 301 of 1,614,120 alleles (0.019%); highest among the groups gnomAD compares: African/African-American, 0.34%; no homozygotes.

Submissions (5):

Labcorp Genetics (formerly Invitae), Labcorp
Classification: Benign for Emery-Dreifuss muscular dystrophy 5, autosomal dominant. Last evaluated: 2025-11-15. Review status: criteria provided, single submitter. Criteria: Invitae Variant Classification Sherloc (09022015). Collection method: clinical testing. Allele origin: germline.

Ambry Genetics
Classification: Uncertain significance. Last evaluated: 2025-07-31. Review status: criteria provided, single submitter. Criteria: Ambry Variant Classification Scheme 2023. Collection method: clinical testing. Allele origin: germline.

CeGaT Center for Human Genetics Tuebingen
Classification: Likely benign. Last evaluated: 2024-12-01. Review status: criteria provided, single submitter. Criteria: CeGaT Center For Human Genetics Tuebingen Variant Classification Criteria Version 2. Collection method: clinical testing. Allele origin: germline. Affected: yes. Observed: 1 variant allele.
Comment: SYNE2: BP4, BS1

Blueprint Genetics
Classification: Likely benign. Last evaluated: 2024-10-18. Review status: criteria provided, single submitter. Criteria: ACMG Guidelines, 2015. Collection method: clinical testing. Allele origin: germline.

PreventionGenetics, part of Exact Sciences
Classification: Likely benign for SYNE2-related condition. Last evaluated: 2019-07-24. Review status: no assertion criteria provided. Collection method: clinical testing. Allele origin: germline. Not counted in ClinVar's aggregate classification.
Comment: This variant is classified as likely benign based on ACMG/AMP sequence variant interpretation guidelines (Richards et al. 2015 PMID: 25741868, with internal and published modifications).